The following is an entry in ClinVar:

NM_001042492.3(NF1):c.1722-2A>C

Gene: NF1 (neurofibromin 1; plus strand). Cytogenetic location: 17q11.2.
Variant type: single nucleotide variant.
Coding change: c.1722-2A>C on transcript NM_001042492.3 (MANE Select); the canonical splice acceptor site of the intron before coding-DNA position 1722, A replaced by C.
Molecular consequence: splice acceptor variant.
Genome position (GRCh38, 1-based): chr17:31,223,442, A>C. VCF-style: chr17-31223442-A-C. GRCh37 (hg19) VCF-style: chr17-29550460-A-C.
Other names: c.1722-2A>C (NM_000267.4).
Identifiers: ClinVar variation 996525 (VCV000996525.8), dbSNP rs763983337, ClinGen allele CA289361238.
Genomic context (GRCh38, chr17:31,223,442, plus strand): 5'-CTGGTTATATCTGCATTAGGTTATTGATGATGCTAGTAACAATGAACTTTATGTTACTGC[A>C]GCTCACAAATGCTTTTTTACATCTGCAAGAAATTAACTAGTCATCAAATGCTTAGTAGCA-3'

ClinVar aggregate classification (germline): Pathogenic/Likely pathogenic. Review status: criteria provided, multiple submitters, no conflicts (2 of 4 stars). 2 submissions from 2 submitters: Pathogenic (1); Likely pathogenic (1). Last evaluated 2023-08-08.

Conditions:
Neurofibromatosis, type 1 (NF1). Also called: Neurofibromatosis, type I; VON RECKLINGHAUSEN DISEASE; NEUROFIBROMATOSIS, TYPE I, SOMATIC; Peripheral type neurofibromatosis. Identifiers: Orphanet 636, MedGen C0027831, MONDO:0018975, OMIM 162200. Disease mechanism: loss of function.

Submissions (2):

Labcorp Genetics (formerly Invitae), Labcorp
Classification: Pathogenic for Neurofibromatosis, type 1. Last evaluated: 2023-08-08. Review status: criteria provided, single submitter. Criteria: Invitae Variant Classification Sherloc (09022015). Collection method: clinical testing. Allele origin: germline.
Comment: This sequence change affects an acceptor splice site in intron 15 of the NF1 gene. It is expected to disrupt RNA splicing. Variants that disrupt the donor or acceptor splice site typically lead to a loss of protein function (PMID: 16199547), and loss-of-function variants in NF1 are known to be pathogenic (PMID: 10712197, 23913538). For these reasons, this variant has been classified as Pathogenic. Algorithms developed to predict the effect of sequence changes on RNA splicing suggest that this variant may disrupt the consensus splice site. ClinVar contains an entry for this variant (Variation ID: 996525). Disruption of this splice site has been observed in individual(s) with clinical features of neurofibromatosis 1 (PMID: 17311297, 26740943; Invitae). This variant is not present in population databases (gnomAD no frequency).

Genome Diagnostics Laboratory, The Hospital for Sick Children
Classification: Likely pathogenic for Neurofibromatosis, type 1. Last evaluated: 2020-10-26. Review status: criteria provided, single submitter. Criteria: ACMG Guidelines, 2015. Collection method: clinical testing. Allele origin: germline. Affected: yes.

Literature cited by the submitters: PubMed 16199547 (cited by Labcorp Genetics (formerly Invitae), Labcorp); PubMed 10712197 (cited by Labcorp Genetics (formerly Invitae), Labcorp); PubMed 23913538 (cited by Labcorp Genetics (formerly Invitae), Labcorp); PubMed 17311297 (cited by Labcorp Genetics (formerly Invitae), Labcorp); PubMed 26740943 (cited by Labcorp Genetics (formerly Invitae), Labcorp).